The following is an entry in ClinVar:

ClinVar aggregate classification (germline): Conflicting classifications of pathogenicity. Review status: criteria provided, conflicting classifications (1 of 4 stars). 2 submissions from 2 submitters: Uncertain significance (1); Likely benign (1). Last evaluated 2025-12-16.

Conditions:
Inborn genetic diseases. Identifiers: MedGen C0950123, MeSH D030342.

Allele frequency attached by ClinVar (database versions not stated): gnomAD 0.00002; ExAC 0.00003.

Submissions (2):

Ambry Genetics
Classification: Likely benign for Inborn genetic diseases. Last evaluated: 2025-12-16. Review status: criteria provided, single submitter. Criteria: Ambry Variant Classification Scheme 2023. Collection method: clinical testing. Allele origin: germline.

Labcorp Genetics (formerly Invitae), Labcorp
Classification: Uncertain significance. Last evaluated: 2023-10-16. Review status: criteria provided, single submitter. Criteria: Invitae Variant Classification Sherloc (09022015). Collection method: clinical testing. Allele origin: germline.
Comment: This sequence change replaces arginine, which is basic and polar, with glutamine, which is neutral and polar, at codon 518 of the HR protein (p.Arg518Gln). This variant is present in population databases (rs774052279, gnomAD 0.007%). This variant has not been reported in the literature in individuals affected with HR-related conditions. Algorithms developed to predict the effect of missense changes on protein structure and function output the following: SIFT: "Not Available"; PolyPhen-2: "Benign"; Align-GVGD: "Not Available". The glutamine amino acid residue is found in multiple mammalian species, which suggests that this missense change does not adversely affect protein function. In summary, the available evidence is currently insufficient to determine the role of this variant in disease. Therefore, it has been classified as a Variant of Uncertain Significance.

NM_005144.5(HR):c.1553G>A (p.Arg518Gln)

Gene: HR (HR lysine demethylase and nuclear receptor corepressor; minus strand). Cytogenetic location: 8p21.3.
Variant type: single nucleotide variant.
Coding change: c.1553G>A on transcript NM_005144.5 (MANE Select); coding-DNA position 1553, G replaced by A.
Protein change: p.Arg518Gln; replaces arginine 518 with glutamine.
Molecular consequence: missense variant.
Genome position (GRCh38, 1-based): chr8:22,125,585, C>T on the plus strand (G>A on the coding strand, the complement: HR is on the minus strand). VCF-style: chr8-22125585-C-T. GRCh37 (hg19) VCF-style: chr8-21983098-C-T.
Other names: c.1553G>A (NM_005144.4); c.1553G>A, p.Arg518Gln (NM_018411.4); short protein forms R518Q.
Identifiers: ClinVar variation 2899123 (VCV002899123.4), dbSNP rs774052279, ClinGen allele CA4662435.
Genomic context (GRCh38, chr8:22,125,585, plus strand): 5'-GGTGAGCAGGGAGCCCTGGCGAGGGGGCACTGGAGGTGTCCAGGGGCAATGGCTCACCTC[C>T]GCACTTGCTGAGAGTGGCAGGCGTGCCCTCCTCCCTCTCCAGCTGCCTGGGCACAACTTT-3'
Protein context (NP_005135.2, residues 508-528): GGHACHSQQV[Arg518Gln]RSPLGGELQQ